The following is an entry in ClinVar:

ClinVar aggregate classification (germline): Benign (1 of 4 stars; one submission).

Conditions:
Glycogen storage disease, type II (IOPD). Also called: Pompe Disease; CARDIOMEGALIA GLYCOGENICA DIFFUSA; GLYCOGENOSIS, GENERALIZED, CARDIAC FORM; GSD II; POMPE DISEASE, INFANTILE-ONSET; GLYCOGEN STORAGE DISEASE II, INFANTILE-ONSET. Identifiers: Orphanet 365, MedGen C0017921, MONDO:0009290, OMIM 232300.

Submission:

Genomenon, Inc
Classification: Benign for Glycogen storage disease, type II. Last evaluated: 2026-07-01. Review status: criteria provided, single submitter. Criteria: Genomenon Sequence Variant Interpretation Standards - Updated. Collection method: curation. Allele origin: germline. Affected: no.
Comment: GAA c.-33+671A>C is an intronic variant located in the 5′ untranslated region (5′ UTR). This variant is present at high allele frequency in population databases. We classify GAA c.-33+671A>C as a benign variant.

NM_000152.5(GAA):c.-33+671A>C

Gene: GAA (alpha glucosidase; plus strand). Cytogenetic location: 17q25.3.
Variant type: single nucleotide variant.
Coding change: c.-33+671A>C on transcript NM_000152.5 (MANE Select); 671 bases into the intron after 33 bases upstream of the start codon, A replaced by C.
Molecular consequence: intron variant. On other transcripts: non-coding transcript variant (1).
Genome position (GRCh38, 1-based): chr17:80,102,561, A>C. VCF-style: chr17-80102561-A-C. GRCh37 (hg19) VCF-style: chr17-78076360-A-C.
Other names: c.-33+671A>C (NM_001406741.1, NM_001079803.3); c.-33+636A>C (NM_001406742.1); c.-33+936A>C (NM_001079804.3).
Identifiers: ClinVar variation 4876456 (VCV004876456.1).